The following is an entry in ClinVar:

NM_000053.4(ATP7B):c.3990_3993del (p.Tyr1331fs)

Gene: ATP7B (ATPase copper transporting beta; minus strand). Cytogenetic location: 13q14.3.
Variant type: Deletion.
Coding change: c.3990_3993del on transcript NM_000053.4 (MANE Select); coding-DNA positions 3990 to 3993, 4 bases deleted (TTAT; older notation c.3990_3993delTTAT).
Protein change: p.Tyr1331fs; shifts the reading frame from tyrosine 1331.
Molecular consequence: frameshift variant.
Genome position (GRCh38, 1-based): chr13:51,937,304-51,937,307, ATAA deleted on the plus strand (TTAT on the coding strand, the reverse complement: ATP7B is on the minus strand); deleting any 4 consecutive bases within chr13:51,937,304-51,937,309 gives the same sequence; the c. name uses the placement nearest the transcript's 3' end. VCF-style (leftmost placement, unchanged base first): chr13-51937303-TATAA-T. GRCh37 (hg19) VCF-style: chr13-52511439-TATAA-T.
Other names: c.3369_3372del, p.Tyr1124fs (NM_001005918.3); c.3657_3660del, p.Tyr1220fs (NM_001243182.2); c.3756_3759del, p.Tyr1253fs (NM_001330578.2); c.3738_3741del, p.Tyr1247fs (NM_001330579.2); c.3990_3993delTTAT (NM_000053.4); short protein forms Y1220fs, Y1247fs, Y1331fs, Y1124fs, Y1253fs.
Identifiers: ClinVar variation 617988 (VCV000617988.17), dbSNP rs1566441447, ClinGen allele CA483893470.

ClinVar aggregate classification (germline): Pathogenic/Likely pathogenic. Review status: criteria provided, multiple submitters, no conflicts (2 of 4 stars). 8 submissions from 8 submitters: Pathogenic (7); Likely pathogenic (1). Last evaluated 2026-04-03.

Conditions:
Wilson disease (WND). Also called: Wilson's disease. Identifiers: Orphanet 905, MedGen C0019202, MONDO:0010200, OMIM 277900. Disease mechanism: loss of function.
ATP7B-related disorder. Also called: ATP7B-related condition.

Submissions (8):

Women's Health and Genetics/Laboratory Corporation of America, LabCorp
Classification: Pathogenic for Wilson disease. Last evaluated: 2026-04-03. Review status: criteria provided, single submitter. Criteria: LabCorp Variant Classification Summary - May 2015. Collection method: clinical testing. Allele origin: germline.
Comment: Variant summary: ATP7B c.3990_3993delTTAT (p.Tyr1331ThrfsX61) results in a premature termination codon in the last exon predicted to cause a truncation of the encoded protein, however, nonsense mediated decay is not expected to occur. The variant was absent in 249548 control chromosomes. c.3990_3993delTTAT has been observed in individual(s) affected with clinical features of and/or undergoing genetic testing for Wilson Disease (example, Jung_2017, Taylor_2020). These report(s) do not provide unequivocal conclusions about association of the variant with Wilson Disease. At least one publication reports experimental evidence evaluating an impact on protein function, however, does not allow convincing conclusions about the variant effect (Jung_2017). At least one downstream variant has been classified as Pathogenic/Likely Pathogenic (c.4112T>C, p.Leu1371Pro) by our lab, providing evidence that the region altered by the variant is critical to protein function. The following publications have been ascertained in the context of this evaluation (PMID: 27935710, 32182292). ClinVar contains an entry for this variant (Variation ID: 617988). Based on the evidence outlined above, the variant was classified as pathogenic.

Labcorp Genetics (formerly Invitae), Labcorp
Classification: Pathogenic for Wilson disease. Last evaluated: 2025-08-31. Review status: criteria provided, single submitter. Criteria: Invitae Variant Classification Sherloc (09022015). Collection method: clinical testing. Allele origin: germline.
Comment: This sequence change creates a premature translational stop signal (p.Tyr1331Thrfs*61) in the ATP7B gene. While this is not anticipated to result in nonsense mediated decay, it is expected to disrupt the last 135 amino acid(s) of the ATP7B protein. This variant is not present in population databases (gnomAD no frequency). This premature translational stop signal has been observed in individual(s) with Wilson disease (PMID: 27935710). ClinVar contains an entry for this variant (Variation ID: 617988). This variant disrupts a region of the ATP7B protein in which other variant(s) (p.Arg1459Glyfs*2) have been determined to be pathogenic (PMID: 26799313). This suggests that this is a clinically significant region of the protein, and that variants that disrupt it are likely to be disease-causing. For these reasons, this variant has been classified as Pathogenic.

PreventionGenetics, part of Exact Sciences
Classification: Pathogenic for ATP7B-related condition. Last evaluated: 2025-06-17. Review status: criteria provided, single submitter. Criteria: ACMG Guidelines, 2015. Collection method: clinical testing. Allele origin: germline.
Comment: The ATP7B c.3990_3993delTTAT variant is predicted to result in a frameshift and premature protein termination (p.Tyr1331Thrfs*61). This variant has been reported in an individual with Wilson disease together with most common Wilson disease variant p.His1069Gln (Table 3, Jung et al. 2016. PubMed ID: 27935710). This variant has not been reported in a large population database (gnomAD), indicating this variant is rare. Frameshift variants in ATP7B are expected to be pathogenic. This variant is interpreted as pathogenic.

All of Us Research Program, National Institutes of Health
Classification: Pathogenic for Wilson disease. Last evaluated: 2024-09-27. Review status: criteria provided, single submitter. Criteria: ACMG Guidelines, 2015. Collection method: clinical testing. Allele origin: germline. Inheritance: Autosomal recessive inheritance. Observed: 2 variant alleles, 2 heterozygotes.
Comment: This variant deletes 4 nucleotides in exon 19 of the ATP7B gene, creating a frameshift and premature translation stop signal. This variant is expected to result in an absent or non-functional protein product. This variant has been reported in unknown zygosity with a co-occurring pathogenic variant, p.His1069Gln, in an individual affected with Wilson disease (PMID: 27935710). This variant has not been identified in the general population by the Genome Aggregation Database (gnomAD). Loss of ATP7B function is a known mechanism of disease. Based on the available evidence, this variant is classified as Pathogenic.

This study involves interpretation of variants in research participants for the purpose of population health screening. Participant phenotype was not available at the time of variant classification. Additional details can be found in publication PMID: 35346344, PMCID: PMC8962531

Fulgent Genetics
Classification: Likely pathogenic for Wilson disease. Last evaluated: 2024-05-21. Review status: criteria provided, single submitter. Criteria: ACMG Guidelines, 2015. Collection method: clinical testing. Allele origin: germline.

Baylor Genetics
Classification: Pathogenic for Wilson disease. Last evaluated: 2023-03-15. Review status: criteria provided, single submitter. Criteria: ACMG Guidelines, 2015. Collection method: clinical testing. Allele origin: unknown.

Genome-Nilou Lab
Classification: Pathogenic for Wilson disease. Last evaluated: 2021-08-10. Review status: criteria provided, single submitter. Criteria: ACMG Guidelines, 2015. Collection method: clinical testing. Allele origin: germline. Affected: no.

ARUP Laboratories, Molecular Genetics and Genomics, ARUP Laboratories
Classification: Pathogenic. Last evaluated: 2017-05-10. Review status: criteria provided, single submitter. Criteria: ARUP Molecular Germline Variant Investigation Process. Collection method: clinical testing. Allele origin: germline.
Comment: To our knowledge, the ATP7B c.3990_3993delTTAT; p.Tyr1331fs variant has not been previously reported in the literature, gene-specific variant databases, or general population databases (Exome Variant Server, Genome Aggregation Database). This variant creates a frameshift and is predicted to result in a truncated protein or absent transcript, and is considered pathogenic.

Literature cited by the submitters: PubMed 27935710 (cited by 3 submitters); PubMed 32182292 (cited by Women's Health and Genetics/Laboratory Corporation of America, LabCorp); PubMed 26799313 (cited by Labcorp Genetics (formerly Invitae), Labcorp).